The following is an entry in ClinVar:

NM_001048174.2(MUTYH):c.1183G>A (p.Glu395Lys)

Gene: MUTYH (mutY DNA glycosylase; minus strand). Cytogenetic location: 1p34.1.
Variant type: single nucleotide variant.
Coding change: c.1183G>A on transcript NM_001048174.2 (MANE Select); coding-DNA position 1183, G replaced by A.
Protein change: p.Glu395Lys; replaces glutamic acid 395 with lysine.
Molecular consequence: missense variant. On other transcripts: non-coding transcript variant (7).
Genome position (GRCh38, 1-based): chr1:45,331,476, C>T on the plus strand (G>A on the coding strand, the complement: MUTYH is on the minus strand). VCF-style: chr1-45331476-C-T. GRCh37 (hg19) VCF-style: chr1-45797148-C-T.
Other names: c.1183G>A, p.Glu395Lys (NM_001048171.2, NM_001048173.2, NM_001293195.2 and 6 more transcripts); c.1186G>A, p.Glu396Lys (NM_001048172.2, NM_001407086.1, NM_001407071.1 and 1 more transcripts); c.1267G>A, p.Glu423Lys (NM_001128425.2); c.1228G>A, p.Glu410Lys (NM_001293190.2); c.1216G>A, p.Glu406Lys (NM_001293191.2, NM_001407069.1, NM_001407077.1); c.907G>A, p.Glu303Lys (NM_001293192.2, NM_001293196.2, NM_001407091.1); c.838G>A, p.Glu280Lys (NM_001350650.2, NM_001350651.2, NM_001407082.1); c.1225G>A, p.Glu409Lys (NM_001407083.1, NM_001407085.1); and 5 more; short protein forms E280K, E402K, E395K, E410K, E423K, E303K, E406K, E420K.
Identifiers: ClinVar variation 2699068 (VCV002699068.3), dbSNP rs1060501321, ClinGen allele CA340132928.

ClinVar aggregate classification (germline): Uncertain significance (1 of 4 stars; one submission).

Conditions:
Familial adenomatous polyposis 2. Also called: COLORECTAL ADENOMATOUS POLYPOSIS, AUTOSOMAL RECESSIVE; ADENOMAS, MULTIPLE COLORECTAL, AUTOSOMAL RECESSIVE; FAP type 2; MUTYH Polyposis; MYH-associated polyposis; Adenomas, multiple colorectal. Identifiers: Orphanet 220460, Orphanet 247798, MedGen C3272841, MONDO:0012041, OMIM 608456.

Submission:

Labcorp Genetics (formerly Invitae), Labcorp
Classification: Uncertain significance for Familial adenomatous polyposis 2. Last evaluated: 2025-07-02. Review status: criteria provided, single submitter. Criteria: Invitae Variant Classification Sherloc (09022015). Collection method: clinical testing. Allele origin: germline.
Comment: This sequence change replaces glutamic acid, which is acidic and polar, with lysine, which is basic and polar, at codon 423 of the MUTYH protein (p.Glu423Lys). This variant is not present in population databases (gnomAD no frequency). This variant has not been reported in the literature in individuals affected with MUTYH-related conditions. ClinVar contains an entry for this variant (Variation ID: 2699068). An algorithm developed to predict the effect of missense changes on protein structure and function outputs the following: PolyPhen-2: "Benign". The lysine amino acid residue is found in multiple mammalian species, which suggests that this missense change does not adversely affect protein function. In summary, the available evidence is currently insufficient to determine the role of this variant in disease. Therefore, it has been classified as a Variant of Uncertain Significance.